The following is an entry in ClinVar:

NM_001040142.2(SCN2A):c.5571C>T (p.Ile1857=)

Gene: SCN2A (sodium voltage-gated channel alpha subunit 2; plus strand). Cytogenetic location: 2q24.3.
Variant type: single nucleotide variant.
Coding change: c.5571C>T on transcript NM_001040142.2 (MANE Select); coding-DNA position 5571, C replaced by T.
Protein change: p.Ile1857=; no amino-acid change (isoleucine 1857 retained).
Molecular consequence: synonymous variant.
Genome position (GRCh38, 1-based): chr2:165,389,377, C>T. VCF-style: chr2-165389377-C-T. GRCh37 (hg19) VCF-style: chr2-166245887-C-T.
Other names: c.5571C>T, p.Ile1857= (NM_001040143.2, NM_001371246.1, NM_001371247.1 and 1 more transcripts).
Identifiers: ClinVar variation 3342085 (VCV003342085.16).

ClinVar aggregate classification (germline): Likely benign (1 of 4 stars; one submission).

Submission:

CeGaT Center for Human Genetics Tuebingen
Classification: Likely benign. Last evaluated: 2024-08-01. Review status: criteria provided, single submitter. Criteria: CeGaT Center For Human Genetics Tuebingen Variant Classification Criteria Version 2. Collection method: clinical testing. Allele origin: germline. Affected: yes. Observed: 1 variant allele.
Comment: SCN2A: PM2:Supporting, BP4, BP7